The following is an entry in ClinVar:

NM_001171.6(ABCC6):c.1791del (p.Phe598fs)

Gene: ABCC6 (ATP binding cassette subfamily C member 6; minus strand). Cytogenetic location: 16p13.11.
Variant type: Deletion.
Coding change: c.1791del on transcript NM_001171.6 (MANE Select); coding-DNA position 1791, one base deleted (C; older notation c.1791delC).
Protein change: p.Phe598fs; shifts the reading frame from phenylalanine 598.
Molecular consequence: frameshift variant. On other transcripts: non-coding transcript variant (1).
Genome position (GRCh38, 1-based): chr16:16,187,200, G deleted on the plus strand (C on the coding strand, the reverse complement: ABCC6 is on the minus strand); the first of 2 consecutive G bases (chr16:16,187,200-16,187,201); deleting either gives the same sequence. VCF-style (leftmost placement, unchanged base first): chr16-16187199-AG-A. GRCh37 (hg19) VCF-style: chr16-16281056-AG-A.
Other names: c.1449del, p.Phe484fs (NM_001351800.1); short protein forms F484fs, F598fs.
Identifiers: ClinVar variation 1981514 (VCV001981514.5), dbSNP rs1253009659, ClinGen allele CA621209122.

ClinVar aggregate classification (germline): Pathogenic/Likely pathogenic. Review status: criteria provided, multiple submitters, no conflicts (2 of 4 stars). 2 submissions from 2 submitters: Pathogenic (1); Likely pathogenic (1). Last evaluated 2022-10-05.

Conditions:
ABCC6-related disorder. Also called: ABCC6-related condition.

Submissions (2):

Labcorp Genetics (formerly Invitae), Labcorp
Classification: Pathogenic. Last evaluated: 2022-10-05. Review status: criteria provided, single submitter. Criteria: Invitae Variant Classification Sherloc (09022015). Collection method: clinical testing. Allele origin: germline.
Comment: This variant has not been reported in the literature in individuals affected with ABCC6-related conditions. For these reasons, this variant has been classified as Pathogenic. The frequency data for this variant in the population databases is considered unreliable, as metrics indicate poor data quality at this position in the gnomAD database. This sequence change creates a premature translational stop signal (p.Phe598Leufs*18) in the ABCC6 gene. It is expected to result in an absent or disrupted protein product. Loss-of-function variants in ABCC6 are known to be pathogenic (PMID: 11536079, 17617515).

Blueprint Genetics
Classification: Likely pathogenic for ABCC6-related disorders. Last evaluated: 2022-08-31. Review status: criteria provided, single submitter. Criteria: ACMG Guidelines, 2015. Collection method: clinical testing. Allele origin: germline. Affected: yes. Observed: 1 variant allele.

Literature cited by the submitters: PubMed 11536079 (cited by Labcorp Genetics (formerly Invitae), Labcorp); PubMed 17617515 (cited by Labcorp Genetics (formerly Invitae), Labcorp).